The following is an entry in ClinVar:

NM_000141.5(FGFR2):c.1966T>C (p.Tyr656His)

Gene: FGFR2 (fibroblast growth factor receptor 2; minus strand). Cytogenetic location: 10q26.13.
Variant type: single nucleotide variant.
Coding change: c.1966T>C on transcript NM_000141.5 (MANE Select); coding-DNA position 1966, T replaced by C.
Protein change: p.Tyr656His; replaces tyrosine 656 with histidine.
Molecular consequence: missense variant. On other transcripts: non-coding transcript variant (1).
Genome position (GRCh38, 1-based): chr10:121,488,011, A>G on the plus strand (T>C on the coding strand, the complement: FGFR2 is on the minus strand). VCF-style: chr10-121488011-A-G. GRCh37 (hg19) VCF-style: chr10-123247525-A-G.
Other names: c.1963T>C, p.Tyr655His (NM_001441087.1); c.1696T>C, p.Tyr566His (NM_001441088.1); c.1693T>C, p.Tyr565His (NM_001441089.1); c.1621T>C, p.Tyr541His (NM_001441090.1, NM_001144916.2); c.1615T>C, p.Tyr539His (NM_001441091.1, NM_001144918.2); c.1969T>C, p.Tyr657His (NM_022970.4, NM_001144913.1); c.1699T>C, p.Tyr567His (NM_023029.3, NM_001144915.2); c.1618T>C, p.Tyr540His (NM_001144917.2); and 4 more; short protein forms Y428H, Y539H, Y540H, Y541H, Y544H, Y565H, Y566H, Y567H.
Identifiers: ClinVar variation 4687933 (VCV004687933.1), dbSNP rs2133835239.

ClinVar aggregate classification (germline): Likely pathogenic (1 of 4 stars; one submission).

Conditions:
Acrocephalosyndactyly type I (ACS1). Also called: Acrocephalo-syndactyly type 1; ACS 1; Syndactylic oxycephaly; Apert syndrome. Identifiers: Orphanet 87, MedGen C0001193, MONDO:0007041, OMIM 101200.

Submission:

Human Genetics Bochum, Ruhr University Bochum
Classification: Likely pathogenic for Acrocephalosyndactyly type I. Last evaluated: 2025-07-09. Review status: criteria provided, single submitter. Criteria: ACMG Guidelines, 2015. Collection method: clinical testing. Allele origin: germline. Affected: yes.
Comment: ACMG criteria used to clasify this variant: PM1, PP3_MOD, PM2_SUP, PP2